The following is an entry in ClinVar:

ClinVar aggregate classification (germline): Uncertain significance (1 of 4 stars; one submission).

Conditions:
Idiopathic generalized epilepsy. Also called: EIG; Generalised epilepsy. Identifiers: MedGen C0270850, MONDO:0005579, OMIM 600669.
Epilepsy, idiopathic generalized, susceptibility to, 13. Also called: EPILEPSY, JUVENILE MYOCLONIC, SUSCEPTIBILITY TO, 5. Identifiers: Orphanet 307, Orphanet 64280, MedGen C4013473, MONDO:0012627, OMIM 611136.
Epilepsy, childhood absence 4 (ECA4). Also called: EPILEPSY, CHILDHOOD ABSENCE, SUSCEPTIBILITY TO, 4. Identifiers: Orphanet 307, MedGen C1970160.

Submission:

Labcorp Genetics (formerly Invitae), Labcorp
Classification: Uncertain significance for Epilepsy, childhood absence 4; Epilepsy, idiopathic generalized, susceptibility to, 13; Idiopathic generalized epilepsy. Last evaluated: 2024-11-05. Review status: criteria provided, single submitter. Criteria: Invitae Variant Classification Sherloc (09022015). Collection method: clinical testing. Allele origin: germline.
Comment: This sequence change replaces valine, which is neutral and non-polar, with glycine, which is neutral and non-polar, at codon 334 of the GABRA1 protein (p.Val334Gly). This variant is not present in population databases (gnomAD no frequency). This variant has not been reported in the literature in individuals affected with GABRA1-related conditions. ClinVar contains an entry for this variant (Variation ID: 2943464). Invitae Evidence Modeling of protein sequence and biophysical properties (such as structural, functional, and spatial information, amino acid conservation, physicochemical variation, residue mobility, and thermodynamic stability) indicates that this missense variant is expected to disrupt GABRA1 protein function with a positive predictive value of 80%. In summary, the available evidence is currently insufficient to determine the role of this variant in disease. Therefore, it has been classified as a Variant of Uncertain Significance.

NM_001127644.2(GABRA1):c.1001T>G (p.Val334Gly)

Gene: GABRA1 (gamma-aminobutyric acid type A receptor subunit alpha1; plus strand). Cytogenetic location: 5q34.
Variant type: single nucleotide variant.
Coding change: c.1001T>G on transcript NM_001127644.2 (MANE Select); coding-DNA position 1001, T replaced by G.
Protein change: p.Val334Gly; replaces valine 334 with glycine.
Molecular consequence: missense variant.
Genome position (GRCh38, 1-based): chr5:161,895,810, T>G. VCF-style: chr5-161895810-T-G. GRCh37 (hg19) VCF-style: chr5-161322816-T-G.
Other names: c.1001T>G, p.Val334Gly (NM_000806.5, NM_001127643.2, NM_001127645.2 and 1 more transcripts); short protein forms V334G.
Identifiers: ClinVar variation 2943464 (VCV002943464.3), dbSNP rs2532292319, ClinGen allele CA362180380.